The following is an entry in ClinVar:

ClinVar aggregate classification (germline): Likely pathogenic (1 of 4 stars; one submission).

Conditions:
Familial thoracic aortic aneurysm and aortic dissection (TAAD). Also called: Thoracic aortic aneurysms and dissections. Identifiers: Orphanet 91387, MedGen C4707243, MONDO:0019625.

Submission:

Ambry Genetics
Classification: Likely pathogenic for Familial thoracic aortic aneurysm and aortic dissection. Last evaluated: 2020-03-19. Review status: criteria provided, single submitter. Criteria: Ambry Variant Classification Scheme 2023. Collection method: clinical testing. Allele origin: germline.
Comment: The p.C271Y variant (also known as c.812G>A), located in coding exon 7 of the FBN1 gene, results from a G to A substitution at nucleotide position 812. The cysteine at codon 271 is replaced by tyrosine, an amino acid with highly dissimilar properties. The majority of FBN1 mutations identified to date have involved the substitution or generation of cysteine residues within cbEGF domains (Vollbrandt T et al. J Biol Chem. 2004;279(31):32924-32931). Internal structural analysis indicates that this particular alteration eliminates a structurally critical disulfide bond in cbEGF domain #01 (Ambry internal data). A likely pathogenic alteration, p.C271W, has been described in the same codon (Regalado ES et al. Clin. Genet., 2016 06;89:719-23). This amino acid position is highly conserved in available vertebrate species. In addition, this alteration is predicted to be deleterious by in silico analysis. Based on the majority of available evidence to date, this variant is likely to be pathogenic.

NM_000138.5(FBN1):c.812G>A (p.Cys271Tyr)

Gene: FBN1 (fibrillin 1; minus strand). Cytogenetic location: 15q21.1.
Variant type: single nucleotide variant.
Coding change: c.812G>A on transcript NM_000138.5 (MANE Select); coding-DNA position 812, G replaced by A.
Protein change: p.Cys271Tyr; replaces cysteine 271 with tyrosine.
Molecular consequence: missense variant.
Genome position (GRCh38, 1-based): chr15:48,534,130, C>T on the plus strand (G>A on the coding strand, the complement: FBN1 is on the minus strand). VCF-style: chr15-48534130-C-T. GRCh37 (hg19) VCF-style: chr15-48826327-C-T.
Other names: c.812G>A, p.Cys271Tyr (NM_001406716.1, NM_001406717.1); short protein forms C271Y.
Identifiers: ClinVar variation 1762124 (VCV001762124.2), dbSNP rs2505655382, ClinGen allele CA392352498.
Genomic context (GRCh38, chr15:48,534,130, plus strand): 5'-GATTTCTTACCTTCACATTTTTGTGACACTTCATTAAGTTTGTGTCCAGCAGGGCATTTG[C>T]ACTCAAAAGACCCAACAGTATTAATGCAATTTCCTCCCTGACAGAGCCCGGGGATGGCCT-3'
Protein context (NP_000129.3, residues 261-281): NCINTVGSFE[Cys271Tyr]KCPAGHKLNE